The following is an entry in ClinVar:

NM_018161.5(NADSYN1):c.1819del (p.Val607fs)

Gene: NADSYN1 (NAD synthetase 1; plus strand). Cytogenetic location: 11q13.4.
Variant type: Deletion.
Coding change: c.1819del on transcript NM_018161.5 (MANE Select); coding-DNA position 1819, one base deleted (G; older notation c.1819delG).
Protein change: p.Val607fs; shifts the reading frame from valine 607.
Molecular consequence: frameshift variant.
Genome position (GRCh38, 1-based): chr11:71,497,537, G deleted; the last of 2 consecutive G bases (chr11:71,497,536-71,497,537); deleting either gives the same sequence. VCF-style (leftmost placement, unchanged base first): chr11-71497535-AG-A. GRCh37 (hg19) VCF-style: chr11-71208581-AG-A.
Other names: short protein forms V607fs.
Identifiers: ClinVar variation 834711 (VCV000834711.3), dbSNP rs1327307171, ClinGen allele CA600052743.

ClinVar aggregate classification (germline): Pathogenic. Review status: no assertion criteria provided (0 of 4 stars). 2 submissions from 2 submitters: Pathogenic (2). Last evaluated 2020-04-10.

Conditions:
Congenital NAD deficiency disorder. Identifiers: MedGen CN241975.
Vertebral, cardiac, renal, and limb defects syndrome 3. Also called: CONGENITAL NAD DEFICIENCY DISORDER 3. Identifiers: MedGen C5394250, MONDO:0030077, OMIM 618845.

Submissions (2):

OMIM
Classification: Pathogenic for VERTEBRAL, CARDIAC, RENAL, AND LIMB DEFECTS SYNDROME 3. Last evaluated: 2020-04-10. Review status: no assertion criteria provided. Collection method: literature only. Allele origin: germline.

Embryology Laboratory, Victor Chang Cardiac Research Institute
Classification: Pathogenic for Congenital NAD Deficiency Disorder. Last evaluated: 2019-12-01. Review status: no assertion criteria provided. Collection method: research. Allele origin: inherited. Inheritance: Autosomal recessive inheritance. Affected: yes. Observed: 1 variant allele, 1 compound heterozygote.
Comment: This variant, c.1819del, was found in compound heterozygosity with the pathogenic variant c.1717G>A

Literature cited by the submitters: PubMed 31883644 (cited by OMIM and Embryology Laboratory, Victor Chang Cardiac Research Institute).